The following is an entry in ClinVar:

NM_030665.4(RAI1):c.2333G>A (p.Gly778Asp)

Gene: RAI1 (retinoic acid induced 1; plus strand). Cytogenetic location: 17p11.2.
Variant type: single nucleotide variant.
Coding change: c.2333G>A on transcript NM_030665.4 (MANE Select); coding-DNA position 2333, G replaced by A.
Protein change: p.Gly778Asp; replaces glycine 778 with aspartic acid.
Molecular consequence: missense variant.
Genome position (GRCh38, 1-based): chr17:17,795,281, G>A. VCF-style: chr17-17795281-G-A. GRCh37 (hg19) VCF-style: chr17-17698595-G-A.
Other names: short protein forms G778D.
Identifiers: ClinVar variation 2794453 (VCV002794453.3), dbSNP rs2508580851, ClinGen allele CA398550726.

ClinVar aggregate classification (germline): Uncertain significance (1 of 4 stars; one submission).

Submission:

Labcorp Genetics (formerly Invitae), Labcorp
Classification: Uncertain significance. Last evaluated: 2023-08-10. Review status: criteria provided, single submitter. Criteria: Invitae Variant Classification Sherloc (09022015). Collection method: clinical testing. Allele origin: germline.
Comment: This sequence change replaces glycine, which is neutral and non-polar, with aspartic acid, which is acidic and polar, at codon 778 of the RAI1 protein (p.Gly778Asp). In summary, the available evidence is currently insufficient to determine the role of this variant in disease. Therefore, it has been classified as a Variant of Uncertain Significance. Advanced modeling of protein sequence and biophysical properties (such as structural, functional, and spatial information, amino acid conservation, physicochemical variation, residue mobility, and thermodynamic stability) performed at Invitae indicates that this missense variant is not expected to disrupt RAI1 protein function. This variant has not been reported in the literature in individuals affected with RAI1-related conditions. This variant is not present in population databases (gnomAD no frequency).